The following is an entry in ClinVar:

NM_006231.4(POLE):c.2258_2260del (p.Phe753del)

Gene: POLE (DNA polymerase epsilon, catalytic subunit; minus strand). Cytogenetic location: 12q24.33.
Variant type: Deletion.
Coding change: c.2258_2260del on transcript NM_006231.4 (MANE Select); coding-DNA positions 2258 to 2260, 3 bases deleted (TCT; older notation c.2258_2260delTCT).
Protein change: p.Phe753del; deletes phenylalanine 753.
Molecular consequence: inframe deletion.
Genome position (GRCh38, 1-based): chr12:132,667,562-132,667,564, AGA deleted on the plus strand (TCT on the coding strand, the reverse complement: POLE is on the minus strand); deleting any 3 consecutive bases within chr12:132,667,562-132,667,566 gives the same sequence; the c. name uses the placement nearest the transcript's 3' end. VCF-style (leftmost placement, unchanged base first): chr12-132667561-TAGA-T. GRCh37 (hg19) VCF-style: chr12-133244147-TAGA-T.
Other names: c.2258_2260delTCT (NM_006231.3); short protein forms F753del.
Identifiers: ClinVar variation 405603 (VCV000405603.10), dbSNP rs1060500779, ClinGen allele CA16613867.

ClinVar aggregate classification (germline): Uncertain significance (1 of 4 stars; one submission).

Submission:

Labcorp Genetics (formerly Invitae), Labcorp
Classification: Uncertain significance. Last evaluated: 2025-11-05. Review status: criteria provided, single submitter. Criteria: Invitae Variant Classification Sherloc (09022015). Collection method: clinical testing. Allele origin: germline.
Comment: This variant, c.2258_2260del, results in the deletion of 1 amino acid(s) of the POLE protein (p.Phe753del), but otherwise preserves the integrity of the reading frame. This variant is not present in population databases (gnomAD no frequency). This variant has not been reported in the literature in individuals affected with POLE-related conditions. ClinVar contains an entry for this variant (Variation ID: 405603). Experimental studies and prediction algorithms are not available or were not evaluated, and the functional significance of this variant is currently unknown. In summary, the available evidence is currently insufficient to determine the role of this variant in disease. Therefore, it has been classified as a Variant of Uncertain Significance.